The following is an entry in ClinVar:

ClinVar aggregate classification (germline): Uncertain significance. Review status: criteria provided, multiple submitters, no conflicts (2 of 4 stars). 3 submissions from 3 submitters: Uncertain significance (3). Last evaluated 2026-02-13.

Conditions:
COL18A1-related disorder. Also called: COL18A1-related disorders; COL18A1-related condition.

Allele frequency attached by ClinVar (database versions not stated): gnomAD 0.00003; gnomAD exomes 0.00004; TOPMed 0.00006.
gnomAD v4.1: 41 of 1,536,364 alleles (0.0027%); highest among the groups gnomAD compares: African/African-American, 0.014%; no homozygotes.

Submissions (3):

PreventionGenetics, part of Exact Sciences
Classification: Uncertain significance for COL18A1-related condition. Last evaluated: 2026-02-13. Review status: criteria provided, single submitter. Criteria: ACMG Guidelines, 2015. Collection method: clinical testing. Allele origin: germline.
Comment: The COL18A1 c.3974C>T variant is predicted to result in the amino acid substitution p.Pro1325Leu. To our knowledge, this variant has not been reported in the literature. This variant is reported in 0.029% of alleles in individuals of African descent in gnomAD. At this time, the clinical significance of this variant is uncertain due to the absence of conclusive functional and genetic evidence.

Labcorp Genetics (formerly Invitae), Labcorp
Classification: Uncertain significance. Last evaluated: 2022-07-12. Review status: criteria provided, single submitter. Criteria: Invitae Variant Classification Sherloc (09022015). Collection method: clinical testing. Allele origin: germline.
Comment: This sequence change replaces proline, which is neutral and non-polar, with leucine, which is neutral and non-polar, at codon 1145 of the COL18A1 protein (p.Pro1145Leu). This variant is present in population databases (no rsID available, gnomAD 0.03%). This variant has not been reported in the literature in individuals affected with COL18A1-related conditions. ClinVar contains an entry for this variant (Variation ID: 1356062). Experimental studies and prediction algorithms are not available or were not evaluated, and the functional significance of this variant is currently unknown. In summary, the available evidence is currently insufficient to determine the role of this variant in disease. Therefore, it has been classified as a Variant of Uncertain Significance.

Blueprint Genetics
Classification: Uncertain significance. Last evaluated: 2019-10-04. Review status: criteria provided, single submitter. Criteria: ACMG Guidelines, 2015. Collection method: clinical testing. Allele origin: germline.

NM_001379500.1(COL18A1):c.3443C>T (p.Pro1148Leu)

Genes: COL18A1 (collagen type XVIII alpha 1 chain; plus strand), SLC19A1 (solute carrier family 19 member 1; minus strand). Cytogenetic location: 21q22.3.
Variant type: single nucleotide variant.
Coding change: c.3443C>T on transcript NM_001379500.1 (MANE Select); coding-DNA position 3443, C replaced by T.
Protein change: p.Pro1148Leu; replaces proline 1148 with leucine.
Molecular consequence: missense variant.
Genome position (GRCh38, 1-based): chr21:45,509,549, C>T. VCF-style: chr21-45509549-C-T. GRCh37 (hg19) VCF-style: chr21-46929463-C-T.
Other names: c.3974C>T, p.Pro1325Leu (NM_030582.4); c.4679C>T, p.Pro1560Leu (NM_130444.3); c.3974C>T (NM_030582.3); short protein forms P1148L, P1325L, P1560L.
Identifiers: ClinVar variation 1356062 (VCV001356062.5), dbSNP rs1426639801, ClinGen allele CA410501108.